The following is an entry in ClinVar:

ClinVar aggregate classification (germline): Uncertain significance. Review status: criteria provided, multiple submitters, no conflicts (2 of 4 stars). 2 submissions from 2 submitters: Uncertain significance (2). Last evaluated 2025-10-09.

Conditions:
Hereditary cancer-predisposing syndrome. Also called: Hereditary neoplastic syndrome; Neoplastic Syndromes, Hereditary; Tumor predisposition; Hereditary Cancer Syndrome. Identifiers: Orphanet 140162, MedGen C0027672, MeSH D009386, MONDO:0015356.
Ataxia-telangiectasia syndrome (AT). Also called: LOUIS-BAR SYNDROME; Cerebello-oculocutaneous telangiectasia; Immunodeficiency with ataxia telangiectasia; AT, COMPLEMENTATION GROUP C; Ataxia-telangiectasia, complementation group D; ATAXIA-TELANGIECTASIA, COMPLEMENTATION GROUP A. Identifiers: Orphanet 100, MedGen C0004135, MONDO:0008840, OMIM 208900.

Allele frequency attached by ClinVar (database versions not stated): gnomAD exomes below 0.00001.
gnomAD v4.1: 1 of 1,611,244 alleles (0.000062%); highest among the groups gnomAD compares: Non-Finnish European, 0.000085%; no homozygotes.

Submissions (2):

Ambry Genetics
Classification: Uncertain significance for Hereditary cancer-predisposing syndrome. Last evaluated: 2025-10-09. Review status: criteria provided, single submitter. Criteria: Ambry Variant Classification Scheme 2023. Collection method: clinical testing. Allele origin: germline.
Comment: The p.E1776K variant (also known as c.5326G>A), located in coding exon 35 of the ATM gene, results from a G to A substitution at nucleotide position 5326. The glutamic acid at codon 1776 is replaced by lysine, an amino acid with similar properties. In an assay testing ATM function, this variant showed a functionally abnormal result (Lee KS et al. Cell, 2025 Sep;188:5081-5099.e27). This amino acid position is well conserved in available vertebrate species. In addition, this alteration is predicted to be tolerated by in silico analysis. Based on the available evidence, the clinical significance of this variant remains unclear.

Labcorp Genetics (formerly Invitae), Labcorp
Classification: Uncertain significance for Ataxia-telangiectasia syndrome. Last evaluated: 2024-10-21. Review status: criteria provided, single submitter. Criteria: Invitae Variant Classification Sherloc (09022015). Collection method: clinical testing. Allele origin: germline.
Comment: This sequence change replaces glutamic acid, which is acidic and polar, with lysine, which is basic and polar, at codon 1776 of the ATM protein (p.Glu1776Lys). This variant is not present in population databases (gnomAD no frequency). This variant has not been reported in the literature in individuals affected with ATM-related conditions. ClinVar contains an entry for this variant (Variation ID: 482614). Invitae Evidence Modeling of protein sequence and biophysical properties (such as structural, functional, and spatial information, amino acid conservation, physicochemical variation, residue mobility, and thermodynamic stability) indicates that this missense variant is not expected to disrupt ATM protein function with a negative predictive value of 95%. In summary, the available evidence is currently insufficient to determine the role of this variant in disease. Therefore, it has been classified as a Variant of Uncertain Significance.

Literature cited by the submitters: PubMed 40580951 (cited by Ambry Genetics).

NM_000051.4(ATM):c.5326G>A (p.Glu1776Lys)

Gene: ATM (ATM serine/threonine kinase; plus strand). Cytogenetic location: 11q22.3.
Variant type: single nucleotide variant.
Coding change: c.5326G>A on transcript NM_000051.4 (MANE Select); coding-DNA position 5326, G replaced by A.
Protein change: p.Glu1776Lys; replaces glutamic acid 1776 with lysine.
Molecular consequence: missense variant.
Genome position (GRCh38, 1-based): chr11:108,302,859, G>A. VCF-style: chr11-108302859-G-A. GRCh37 (hg19) VCF-style: chr11-108173586-G-A.
Other names: c.5326G>A, p.Glu1776Lys (NM_001351834.2); short protein forms E1776K.
Identifiers: ClinVar variation 482614 (VCV000482614.17), dbSNP rs1555106321, ClinGen allele CA382543034.